The following is an entry in ClinVar:

ClinVar aggregate classification (germline): Uncertain significance (1 of 4 stars; one submission).

Conditions:
Hereditary cancer-predisposing syndrome. Also called: Neoplastic Syndromes, Hereditary; Tumor predisposition; Hereditary Cancer Syndrome; Hereditary neoplastic syndrome. Identifiers: Orphanet 140162, MedGen C0027672, MeSH D009386, MONDO:0015356.

Allele frequency attached by ClinVar (database versions not stated): gnomAD exomes below 0.00001.
gnomAD v4.1: 2 of 1,614,020 alleles (0.00012%); highest among the groups gnomAD compares: Non-Finnish European, 0.000085%; no homozygotes.

Submission:

Ambry Genetics
Classification: Uncertain significance for Hereditary cancer-predisposing syndrome. Last evaluated: 2021-04-12. Review status: criteria provided, single submitter. Criteria: Ambry Variant Classification Scheme 2023. Collection method: clinical testing. Allele origin: germline.
Comment: The p.A2764G variant (also known as c.8291C>G), located in coding exon 17 of the BRCA2 gene, results from a C to G substitution at nucleotide position 8291. The alanine at codon 2764 is replaced by glycine, an amino acid with similar properties. This amino acid position is well conserved in available vertebrate species. In addition, the in silico prediction for this alteration is inconclusive. Since supporting evidence is limited at this time, the clinical significance of this alteration remains unclear.

NM_000059.4(BRCA2):c.8291C>G (p.Ala2764Gly)

Gene: BRCA2 (BRCA2 DNA repair associated; plus strand). Cytogenetic location: 13q13.1.
Variant type: single nucleotide variant.
Coding change: c.8291C>G on transcript NM_000059.4 (MANE Select); coding-DNA position 8291, C replaced by G.
Protein change: p.Ala2764Gly; replaces alanine 2764 with glycine.
Molecular consequence: missense variant.
Genome position (GRCh38, 1-based): chr13:32,363,493, C>G. VCF-style: chr13-32363493-C-G. GRCh37 (hg19) VCF-style: chr13-32937630-C-G.
Other names: c.8195C>G, p.Ala2732Gly (NM_001406719.1); c.8291C>G, p.Ala2764Gly (NM_001406720.1); c.3359C>G, p.Ala1120Gly (NM_001406721.1); c.1874C>G, p.Ala625Gly (NM_001406722.1); short protein forms A2732G, A1120G, A2764G, A625G.
Identifiers: ClinVar variation 1762772 (VCV001762772.2), dbSNP rs1555287074, ClinGen allele CA387750131.